The following is an entry in ClinVar:

ClinVar aggregate classification (germline): Uncertain significance. Review status: criteria provided, multiple submitters, no conflicts (2 of 4 stars). 2 submissions from 2 submitters: Uncertain significance (2). Last evaluated 2022-11-29.

Conditions:
Inborn genetic diseases. Identifiers: MedGen C0950123, MeSH D030342.
Charcot-Marie-Tooth disease type 4. Also called: Charcot-Marie-Tooth disease, type IV; Charcot-Marie-Tooth, Type 4. Identifiers: Orphanet 64749, MedGen C4082197, MONDO:0018995.

Allele frequency attached by ClinVar (database versions not stated): ExAC 0.00001; TOPMed 0.00001; gnomAD 0.00002.

Submissions (2):

Labcorp Genetics (formerly Invitae), Labcorp
Classification: Uncertain significance for Charcot-Marie-Tooth disease type 4. Last evaluated: 2022-11-29. Review status: criteria provided, single submitter. Criteria: Invitae Variant Classification Sherloc (09022015). Collection method: clinical testing. Allele origin: germline.
Comment: In summary, the available evidence is currently insufficient to determine the role of this variant in disease. Therefore, it has been classified as a Variant of Uncertain Significance. Advanced modeling of protein sequence and biophysical properties (such as structural, functional, and spatial information, amino acid conservation, physicochemical variation, residue mobility, and thermodynamic stability) performed at Invitae indicates that this missense variant is not expected to disrupt MTMR2 protein function. ClinVar contains an entry for this variant (Variation ID: 572787). This variant has not been reported in the literature in individuals affected with MTMR2-related conditions. This variant is present in population databases (rs752402777, gnomAD 0.03%). This sequence change replaces methionine, which is neutral and non-polar, with threonine, which is neutral and polar, at codon 117 of the MTMR2 protein (p.Met117Thr).

Ambry Genetics
Classification: Uncertain significance for Inborn genetic diseases. Last evaluated: 2019-10-15. Review status: criteria provided, single submitter. Criteria: Ambry Variant Classification Scheme 2023. Collection method: clinical testing. Allele origin: germline.
Comment: The p.M117T variant (also known as c.350T>C), located in coding exon 4 of the MTMR2 gene, results from a T to C substitution at nucleotide position 350. The methionine at codon 117 is replaced by threonine, an amino acid with similar properties. This amino acid position is well conserved in available vertebrate species. In addition, the in silico prediction for this alteration is inconclusive. Since supporting evidence is limited at this time, the clinical significance of this alteration remains unclear.

NM_016156.6(MTMR2):c.350T>C (p.Met117Thr)

Gene: MTMR2 (myotubularin related protein 2; minus strand). Cytogenetic location: 11q21.
Variant type: single nucleotide variant.
Coding change: c.350T>C on transcript NM_016156.6 (MANE Select); coding-DNA position 350, T replaced by C.
Protein change: p.Met117Thr; replaces methionine 117 with threonine.
Molecular consequence: missense variant.
Genome position (GRCh38, 1-based): chr11:95,862,279, A>G on the plus strand (T>C on the coding strand, the complement: MTMR2 is on the minus strand). VCF-style: chr11-95862279-A-G. GRCh37 (hg19) VCF-style: chr11-95595443-A-G.
Other names: c.134T>C, p.Met45Thr (NM_001243571.2, NM_201278.3, NM_201281.3); short protein forms M117T, M45T.
Identifiers: ClinVar variation 572787 (VCV000572787.11), dbSNP rs752402777, ClinGen allele CA6240368.
Genomic context (GRCh38, chr11:95,862,279, plus strand): 5'-CTAGCTACAAACAACACACTCATGTACATACAAAAATCTAATCTGACTCTTACCCGTTCC[A>G]TGCTTTTGAAATATAACCTATAATTCGTGACAGTCAGAGTTCCTCGTACAGCGCCAGTGA-3'
Protein context (NP_057240.3, residues 107-127): VTNYRLYFKS[Met117Thr]ERDPPFVLDA